The following is an entry in ClinVar:

ClinVar aggregate classification (germline): Likely benign (1 of 4 stars; one submission).

Submission:

CeGaT Center for Human Genetics Tuebingen
Classification: Likely benign. Last evaluated: 2022-11-01. Review status: criteria provided, single submitter. Criteria: CeGaT Center For Human Genetics Tuebingen Variant Classification Criteria Version 2. Collection method: clinical testing. Allele origin: germline. Affected: yes. Observed: 1 variant allele.
Comment: OR10H1: PM2:Supporting, BP4, BP7

NM_013940.4(OR10H1):c.225G>C (p.Val75=)

Gene: OR10H1 (olfactory receptor family 10 subfamily H member 1; minus strand). Cytogenetic location: 19p13.12.
Variant type: single nucleotide variant.
Coding change: c.225G>C on transcript NM_013940.4 (MANE Select); coding-DNA position 225, G replaced by C.
Protein change: p.Val75=; no amino-acid change (valine 75 retained).
Molecular consequence: synonymous variant.
Genome position (GRCh38, 1-based): chr19:15,807,813, C>G on the plus strand (G>C on the coding strand, the complement: OR10H1 is on the minus strand). VCF-style: chr19-15807813-C-G. GRCh37 (hg19) VCF-style: chr19-15918623-C-G.
Identifiers: ClinVar variation 2649504 (VCV002649504.24), dbSNP rs2512579584, ClinGen allele CA506084606.